The following is an entry in ClinVar:

NM_004859.4(CLTC):c.2624C>T (p.Thr875Ile)

Gene: CLTC (clathrin heavy chain; plus strand). Cytogenetic location: 17q23.1.
Variant type: single nucleotide variant.
Coding change: c.2624C>T on transcript NM_004859.4 (MANE Select); coding-DNA position 2624, C replaced by T.
Protein change: p.Thr875Ile; replaces threonine 875 with isoleucine.
Molecular consequence: missense variant.
Genome position (GRCh38, 1-based): chr17:59,677,016, C>T. VCF-style: chr17-59677016-C-T. GRCh37 (hg19) VCF-style: chr17-57754377-C-T.
Other names: c.2636C>T, p.Thr879Ile (NM_001288653.2); short protein forms T875I, T879I.
Identifiers: ClinVar variation 1427233 (VCV001427233.6), dbSNP rs2143580624, ClinGen allele CA400415780.

ClinVar aggregate classification (germline): Uncertain significance (1 of 4 stars; one submission).

Submission:

Labcorp Genetics (formerly Invitae), Labcorp
Classification: Uncertain significance. Last evaluated: 2022-01-26. Review status: criteria provided, single submitter. Criteria: Invitae Variant Classification Sherloc (09022015). Collection method: clinical testing. Allele origin: germline.
Comment: This sequence change replaces threonine, which is neutral and polar, with isoleucine, which is neutral and non-polar, at codon 879 of the CLTC protein (p.Thr879Ile). This variant is not present in population databases (gnomAD no frequency). In summary, the available evidence is currently insufficient to determine the role of this variant in disease. Therefore, it has been classified as a Variant of Uncertain Significance. Algorithms developed to predict the effect of missense changes on protein structure and function are either unavailable or do not agree on the potential impact of this missense change (SIFT: "Tolerated"; PolyPhen-2: "Not Available"; Align-GVGD: "Class C0"). This variant has not been reported in the literature in individuals affected with CLTC-related conditions.